The following is an entry in ClinVar:

NM_001754.5(RUNX1):c.416A>G (p.Asn139Ser)

Genes: RUNX1 (RUNX family transcription factor 1; minus strand), RUNX1-AS1 (RUNX1 antisense RNA 1; plus strand). Cytogenetic location: 21q22.12.
Variant type: single nucleotide variant.
Coding change: c.416A>G on transcript NM_001754.5 (MANE Select); coding-DNA position 416, A replaced by G.
Protein change: p.Asn139Ser; replaces asparagine 139 with serine.
Molecular consequence: missense variant.
Genome position (GRCh38, 1-based): chr21:34,880,649, T>C on the plus strand (A>G on the coding strand, the complement: RUNX1 is on the minus strand). VCF-style: chr21-34880649-T-C. GRCh37 (hg19) VCF-style: chr21-36252946-T-C.
Other names: c.335A>G, p.Asn112Ser (NM_001001890.3, NM_001122607.2); short protein forms N139S, N112S.
Identifiers: ClinVar variation 4843701 (VCV004843701.1).
Genomic context (GRCh38, chr21:34,880,649, plus strand): 5'-TTAAATCTTGCAACCTGGTTCTTCATGGCTGCGGTAGCATTTCTCAGCTCAGCCGAGTAG[T>C]TTTCATCATTGCCAGCCATCACAGTGACCAGAGTGCCATCTGGAACATCCCCTAGGGCCA-3'
Protein context (NP_001745.2, residues 129-149): LVTVMAGNDE[Asn139Ser]YSAELRNATA

ClinVar aggregate classification (germline): Uncertain significance (1 of 4 stars; one submission).

Conditions:
Inborn genetic diseases. Identifiers: MedGen C0950123, MeSH D030342.

Submission:

Ambry Genetics
Classification: Uncertain significance for Inborn genetic diseases. Last evaluated: 2025-12-18. Review status: criteria provided, single submitter. Criteria: Ambry Variant Classification Scheme 2023. Collection method: clinical testing. Allele origin: germline.
Comment: The p.N139S variant (also known as c.416A>G), located in coding exon 4 of the RUNX1 gene, results from an A to G substitution at nucleotide position 416. The asparagine at codon 139 is replaced by serine, an amino acid with highly similar properties. This amino acid position is highly conserved in available vertebrate species. In addition, this alteration is predicted to be deleterious by in silico analysis. Based on the available evidence, the clinical significance of this variant remains unclear.